The following is an entry in ClinVar:

NM_015122.3(FCHO1):c.1022G>A (p.Arg341His)

Gene: FCHO1 (FCH and mu domain containing endocytic adaptor 1; plus strand). Cytogenetic location: 19p13.11.
Variant type: single nucleotide variant.
Coding change: c.1022G>A on transcript NM_015122.3 (MANE Select); coding-DNA position 1022, G replaced by A.
Protein change: p.Arg341His; replaces arginine 341 with histidine.
Molecular consequence: missense variant. On other transcripts: non-coding transcript variant (36).
Genome position (GRCh38, 1-based): chr19:17,776,001, G>A. VCF-style: chr19-17776001-G-A. GRCh37 (hg19) VCF-style: chr19-17886810-G-A.
Other names: c.1022G>A, p.Arg341His (NM_001161357.2, NM_001161358.2, NM_001384370.1 and 25 more transcripts); c.872G>A, p.Arg291His (NM_001161359.2, NM_001384384.1, NM_001384385.1 and 3 more transcripts); c.983G>A, p.Arg328His (NM_001384388.1, NM_001384389.1, NM_001384405.1); c.947G>A, p.Arg316His (NM_001384390.1); c.977G>A, p.Arg326His (NM_001384403.1); short protein forms R341H, R291H, R316H, R326H, R328H.
Identifiers: ClinVar variation 4744255 (VCV004744255.1).

ClinVar aggregate classification (germline): Uncertain significance (1 of 4 stars; one submission).

gnomAD v4.1: 34 of 1,608,260 alleles (0.0021%); highest among the groups gnomAD compares: Middle Eastern, 0.016%; no homozygotes.

Submission:

Labcorp Genetics (formerly Invitae), Labcorp
Classification: Uncertain significance. Last evaluated: 2025-04-22. Review status: criteria provided, single submitter. Criteria: Invitae Variant Classification Sherloc (09022015). Collection method: clinical testing. Allele origin: germline.
Comment: This sequence change replaces arginine, which is basic and polar, with histidine, which is basic and polar, at codon 341 of the FCHO1 protein (p.Arg341His). The frequency data for this variant in the population databases is considered unreliable, as metrics indicate poor data quality at this position in the gnomAD database. This variant has not been reported in the literature in individuals affected with FCHO1-related conditions. An algorithm developed to predict the effect of missense changes on protein structure and function outputs the following: PolyPhen-2: "Benign". The histidine amino acid residue is found in multiple mammalian species, which suggests that this missense change does not adversely affect protein function. In summary, the available evidence is currently insufficient to determine the role of this variant in disease. Therefore, it has been classified as a Variant of Uncertain Significance.